The following is an entry in ClinVar:

ClinVar aggregate classification (germline): Uncertain significance (1 of 4 stars; one submission).

Conditions:
Bardet-Biedl syndrome (BBS). Identifiers: Orphanet 110, MedGen C0752166, MONDO:0015229.

Allele frequency attached by ClinVar (database versions not stated): gnomAD exomes below 0.00001.

Submission:

Labcorp Genetics (formerly Invitae), Labcorp
Classification: Uncertain significance for Bardet-Biedl syndrome. Last evaluated: 2021-07-08. Review status: criteria provided, single submitter. Criteria: Invitae Variant Classification Sherloc (09022015). Collection method: clinical testing. Allele origin: germline.
Comment: This sequence change results in a frameshift in the BBS9 gene (p.Glu878Lysfs*66). While this is not anticipated to result in nonsense mediated decay, it is expected to disrupt the last 10 amino acid(s) of the BBS9 protein and extend the protein by 55 additional amino acid residues. This variant is not present in population databases (ExAC no frequency). This variant has not been reported in the literature in individuals affected with BBS9-related conditions. Experimental studies and prediction algorithms are not available or were not evaluated, and the functional significance of this variant is currently unknown. In summary, the available evidence is currently insufficient to determine the role of this variant in disease. Therefore, it has been classified as a Variant of Uncertain Significance.

NM_198428.3(BBS9):c.2631del (p.Glu878fs)

Gene: BBS9 (Bardet-Biedl syndrome 9; plus strand). Cytogenetic location: 7p14.3.
Variant type: Deletion.
Coding change: c.2631del on transcript NM_198428.3 (MANE Select); coding-DNA position 2631, one base deleted (T; older notation c.2631delT).
Protein change: p.Glu878fs; shifts the reading frame from glutamic acid 878.
Molecular consequence: frameshift variant. On other transcripts: non-coding transcript variant (3), intron variant (1).
Genome position (GRCh38, 1-based): chr7:33,604,974, T deleted. VCF-style (leftmost placement, unchanged base first): chr7-33604973-CT-C. GRCh37 (hg19) VCF-style: chr7-33644585-CT-C.
Other names: c.2526del, p.Glu843fs (NM_001033604.2); c.2616del, p.Glu873fs (NM_001033605.2); c.2631del, p.Glu878fs (NM_001348036.1); c.2082del, p.Glu695fs (NM_001348037.3); c.2358del, p.Glu787fs (NM_001348038.3); c.2253del, p.Glu752fs (NM_001348039.3); c.2511del, p.Val838fs (NM_001348040.3); c.2631del, p.Asp878fs (NM_001348041.4); and 6 more; short protein forms E756fs, E787fs, E838fs, E878fs, V878fs, E873fs, E752fs, E833fs.
Identifiers: ClinVar variation 1366383 (VCV001366383.6), dbSNP rs1401159616, ClinGen allele CA573762424.
Genomic context (GRCh38, chr7:33,604,973, plus strand): 5'-AACAAGACTCTACAGAACTGTTTACCAACCACAGACATCTCACTGCAGAGACACCCAGGC[CT>C]GGTAAGAGACTGGATGGCCTTCACAAGCGTTAGTTAAGTCAGAAGCAGTGACAATCTGGT-3'